The following is an entry in ClinVar:

NM_182961.4(SYNE1):c.23933G>A (p.Arg7978Gln)

Gene: SYNE1 (spectrin repeat containing nuclear envelope protein 1; minus strand). Cytogenetic location: 6q25.2.
Variant type: single nucleotide variant.
Coding change: c.23933G>A on transcript NM_182961.4 (MANE Select); coding-DNA position 23933, G replaced by A.
Protein change: p.Arg7978Gln; replaces arginine 7978 with glutamine.
Molecular consequence: missense variant.
Genome position (GRCh38, 1-based): chr6:152,155,955, C>T on the plus strand (G>A on the coding strand, the complement: SYNE1 is on the minus strand). VCF-style: chr6-152155955-C-T. GRCh37 (hg19) VCF-style: chr6-152477090-C-T.
Other names: c.539G>A, p.Arg180Gln (NM_001347701.2); c.398G>A, p.Arg133Gln (NM_001347702.2); c.23720G>A, p.Arg7907Gln (NM_033071.5); c.23720G>A (NM_033071.3); short protein forms R7907Q, R7978Q, R133Q, R180Q.
Identifiers: ClinVar variation 1410964 (VCV001410964.35), dbSNP rs774319570, ClinGen allele CA4053317.

ClinVar aggregate classification (germline): Uncertain significance. Review status: criteria provided, multiple submitters, no conflicts (2 of 4 stars). 5 submissions from 5 submitters: Uncertain significance (5). Last evaluated 2024-11-20.

Conditions:
Inborn genetic diseases. Identifiers: MedGen C0950123, MeSH D030342.
Emery-Dreifuss muscular dystrophy 4, autosomal dominant (EDMD4). Also called: EMERY-DREIFUSS MUSCULAR DYSTROPHY 4 WITH VARIABLE FEATURES. Identifiers: Orphanet 261, MedGen C2751807, MONDO:0013071, OMIM 612998.
Autosomal recessive ataxia, Beauce type. Also called: SYNE1-Related Autosomal Recessive Cerebellar Ataxia; ATAXIA, RECESSIVE, OF BEAUCE; SYNE1 Deficiency; Spinocerebellar ataxia, autosomal recessive 8. Identifiers: Orphanet 88644, MedGen C1853116, MONDO:0012549, OMIM 610743.

Allele frequency attached by ClinVar (database versions not stated): ExAC 0.00004; gnomAD exomes 0.00004 and 0.00005; TOPMed 0.00006; gnomAD 0.00007 and 0.00008.
gnomAD v4.1: 63 of 1,614,054 alleles (0.0039%); highest among the groups gnomAD compares: African/African-American, 0.011%; 1 homozygote.

Submissions (5):

Blueprint Genetics
Classification: Uncertain significance. Last evaluated: 2024-11-20. Review status: criteria provided, single submitter. Criteria: ACMG Guidelines, 2015. Collection method: clinical testing. Allele origin: germline.

Labcorp Genetics (formerly Invitae), Labcorp
Classification: Uncertain significance for Emery-Dreifuss muscular dystrophy 4, autosomal dominant; Autosomal recessive ataxia, Beauce type. Last evaluated: 2024-10-17. Review status: criteria provided, single submitter. Criteria: Invitae Variant Classification Sherloc (09022015). Collection method: clinical testing. Allele origin: germline.
Comment: This sequence change replaces arginine, which is basic and polar, with glutamine, which is neutral and polar, at codon 7907 of the SYNE1 protein (p.Arg7907Gln). This variant is present in population databases (rs774319570, gnomAD 0.009%). This variant has not been reported in the literature in individuals affected with SYNE1-related conditions. ClinVar contains an entry for this variant (Variation ID: 1410964). An algorithm developed to predict the effect of missense changes on protein structure and function (PolyPhen-2) suggests that this variant is likely to be disruptive. In summary, the available evidence is currently insufficient to determine the role of this variant in disease. Therefore, it has been classified as a Variant of Uncertain Significance.

CeGaT Center for Human Genetics Tuebingen
Classification: Uncertain significance. Last evaluated: 2024-04-01. Review status: criteria provided, single submitter. Criteria: CeGaT Center For Human Genetics Tuebingen Variant Classification Criteria Version 2. Collection method: clinical testing. Allele origin: germline. Affected: yes. Observed: 2 variant alleles.

Revvity Omics, Revvity
Classification: Uncertain significance. Last evaluated: 2023-04-19. Review status: criteria provided, single submitter. Criteria: ACMG Guidelines, 2015. Collection method: clinical testing. Allele origin: germline.

Ambry Genetics
Classification: Uncertain significance for Inborn genetic diseases. Last evaluated: 2021-10-26. Review status: criteria provided, single submitter. Criteria: Ambry Variant Classification Scheme 2023. Collection method: clinical testing. Allele origin: germline.